The following is an entry in ClinVar:

NM_000155.4(GALT):c.779A>T (p.His260Leu)

Gene: GALT (galactose-1-phosphate uridylyltransferase; plus strand). Cytogenetic location: 9p13.3.
Variant type: single nucleotide variant.
Coding change: c.779A>T on transcript NM_000155.4 (MANE Select); coding-DNA position 779, A replaced by T.
Protein change: p.His260Leu; replaces histidine 260 with leucine.
Molecular consequence: missense variant.
Genome position (GRCh38, 1-based): chr9:34,648,853, A>T. VCF-style: chr9-34648853-A-T. GRCh37 (hg19) VCF-style: chr9-34648850-A-T.
Other names: p.His260Leu; c.452A>T, p.His151Leu (NM_001258332.2); short protein forms H151L, H260L.
Identifiers: ClinVar variation 2683040 (VCV002683040.1), dbSNP rs761133762, ClinGen allele CA373283914.

ClinVar aggregate classification (germline): Uncertain significance (1 of 4 stars; one submission).

Submission:

Mayo Clinic Laboratories, Mayo Clinic
Classification: Uncertain significance. Last evaluated: 2022-11-23. Review status: criteria provided, single submitter. Criteria: ACMG Guidelines, 2015. Collection method: clinical testing. Allele origin: germline. Observed: 1 variant allele.
Comment: PP3, PP4, PM2